The following is an entry in ClinVar:

NM_000032.5(ALAS2):c.-15-2188A>G

Genes: PAGE2B (PAGE family member 2B; plus strand), ALAS2 (5'-aminolevulinate synthase 2; minus strand), LOC108663984 (ALAS2 intron 1 and 3 erythroid regulatory elements; plus strand). Cytogenetic location: Xp11.21.
Variant type: single nucleotide variant.
Coding change: c.-15-2188A>G on transcript NM_000032.5 (MANE Select); 2188 bases into the intron before 15 bases upstream of the start codon, A replaced by G.
Molecular consequence: intron variant.
Genome position (GRCh38, 1-based): chrX:55,028,203, T>C on the plus strand (A>G on the coding strand, the complement: ALAS2 is on the minus strand). VCF-style: chrX-55028203-T-C. GRCh37 (hg19) VCF-style: chrX-55054636-T-C.
Other names: NM_001037968.4:c.-50-346A>G; c.-15-2188A>G (NM_001037967.4); c.-50-346A>G (NM_001037968.4).
Identifiers: ClinVar variation 2500873 (VCV002500873.1), dbSNP rs2519597816, ClinGen allele CA2573332204.
Genomic context (GRCh38, chrX:55,028,203, plus strand): 5'-CCCTTCCCCTGCCTGCTTGTGAAAGCTAAAGCACTTGGGGCTGAGCCTGCAGACCACAGA[T>C]AAAGTTGCCAGAGTTTATCGCCATTGGGGTCTGACCACTCCCCAAGCTGAGACCAGGGCG-3'

ClinVar aggregate classification (germline): Likely pathogenic (1 of 4 stars; one submission).

Conditions:
X-linked sideroblastic anemia 1. Also called: X-linked pyridoxine-refractory sideroblastic anemia; Anemia, hereditary sideroblastic 1, pyridoxine refractory; Anemia, sideroblastic, 1; Erythroid 5-aminolevulinate synthase deficiency; X chromosome-linked sideroblastic anemia; ANEMIA, SIDEROBLASTIC, 1, PYRIDOXINE REFRACTORY. Identifiers: Orphanet 75563, MedGen C4551511, MONDO:0020721, OMIM 300751. Disease mechanism: loss of function.

Submission:

Broad Center for Mendelian Genomics, Broad Institute of MIT and Harvard
Classification: Likely pathogenic for X-linked sideroblastic anemia 1. Last evaluated: 2023-05-02. Review status: criteria provided, single submitter. Criteria: ACMG Guidelines, 2015. Collection method: curation. Allele origin: germline. Inheritance: X-linked inheritance.
Comment: The c.-15-2188A>G variant in ALAS2 has been reported in six individuals with X-linked sideroblastic anemia (PMID: 31642437, PMID: 24166784). This variant was absent from large population studies. The number of reported affected individuals with this variant is greater than expected compared to non-affected individuals with this variant. The c.-15-2188A>G variant is located in a region of ALAS2 that is essential for gene expression and multiple variants in this region have been reported in association with disease in the literature, suggesting that this variant is in a key functional domain and slightly supports pathogenicity (PMID: 23935018, PMID: 24166784). In vitro functional studies provide some evidence that the c.-15-2188A>G variant variant may slightly impact protein function (PMID: 24166784). However, these types of assays may not accurately represent biological function. In summary, although additional studies are required to fully establish its clinical significance, this variant is likely pathogenic for X-linked sideroblastic anemia. ACMG/AMP Criteria applied: PS3_Supporting, PS4, PM1_Supporting, PM2_Supporting (Richards 2015).

Literature cited by the submitters: PubMed 24166784.